The following is an entry in ClinVar:

ClinVar aggregate classification (germline): Uncertain significance (1 of 4 stars; one submission).

Conditions:
Muscular dystrophy-dystroglycanopathy type B6 (MDDGB6). Also called: MUSCULAR DYSTROPHY-DYSTROGLYCANOPATHY (CONGENITAL WITH IMPAIRED INTELLECTUAL DEVELOPMENT), TYPE B, 6; MUSCULAR DYSTROPHY, CONGENITAL, LARGE-RELATED; MUSCULAR DYSTROPHY, CONGENITAL, TYPE 1D. Identifiers: MedGen C1837229, MONDO:0012138, OMIM 608840.

Allele frequency attached by ClinVar (database versions not stated): TOPMed 0.00002.
gnomAD v4.1: 45 of 1,614,024 alleles (0.0028%); highest among the groups gnomAD compares: Non-Finnish European, 0.0036%; no homozygotes.

Submission:

Labcorp Genetics (formerly Invitae), Labcorp
Classification: Uncertain significance for Muscular dystrophy-dystroglycanopathy type B6. Last evaluated: 2022-08-16. Review status: criteria provided, single submitter. Criteria: Invitae Variant Classification Sherloc (09022015). Collection method: clinical testing. Allele origin: germline.
Comment: This sequence change replaces arginine, which is basic and polar, with cysteine, which is neutral and slightly polar, at codon 450 of the LARGE protein (p.Arg450Cys). This variant is present in population databases (no rsID available, gnomAD 0.0009%). This variant has not been reported in the literature in individuals affected with LARGE-related conditions. ClinVar contains an entry for this variant (Variation ID: 464469). Algorithms developed to predict the effect of missense changes on protein structure and function are either unavailable or do not agree on the potential impact of this missense change (SIFT: "Deleterious"; PolyPhen-2: "Possibly Damaging"; Align-GVGD: "Class C0"). In summary, the available evidence is currently insufficient to determine the role of this variant in disease. Therefore, it has been classified as a Variant of Uncertain Significance.

NM_133642.5(LARGE1):c.1348C>T (p.Arg450Cys)

Gene: LARGE1 (LARGE xylosyl- and glucuronyltransferase 1; minus strand). Cytogenetic location: 22q12.3.
Variant type: single nucleotide variant.
Coding change: c.1348C>T on transcript NM_133642.5 (MANE Select); coding-DNA position 1348, C replaced by T.
Protein change: p.Arg450Cys; replaces arginine 450 with cysteine.
Molecular consequence: missense variant.
Genome position (GRCh38, 1-based): chr22:33,316,188, G>A on the plus strand (C>T on the coding strand, the complement: LARGE1 is on the minus strand). VCF-style: chr22-33316188-G-A. GRCh37 (hg19) VCF-style: chr22-33712174-G-A.
Other names: c.1348C>T, p.Arg450Cys (NM_001362949.2, NM_001362951.2, NM_001362953.2 and 6 more transcripts); c.1192C>T, p.Arg398Cys (NM_001378629.1); c.745C>T, p.Arg249Cys (NM_001378630.1); c.589C>T, p.Arg197Cys (NM_001378631.1); short protein forms R450C, R197C, R249C, R398C.
Identifiers: ClinVar variation 464469 (VCV000464469.7), dbSNP rs754744384, ClinGen allele CA411541143.
Genomic context (GRCh38, chr22:33,316,188, plus strand): 5'-CTGCTGCAGGCTCATACTCGTAGTGCAGGAAGTACAGGTGGGTGCGGTGGACAGTGAAGC[G>A]CTCTCGCCGGAACTCATAGCACAGGTCGTCCTCGTCCAGCTCAGACAGCTGCTTCTGGAG-3'
Protein context (NP_598397.1, residues 440-460): DDLCYEFRRE[Arg450Cys]FTVHRTHLYF